The following is an entry in ClinVar:

NM_001267550.2(TTN):c.34462del (p.Val11488fs)

Gene: TTN (titin; minus strand). Cytogenetic location: 2q31.2.
Variant type: Deletion.
Coding change: c.34462del on transcript NM_001267550.2 (MANE Select); coding-DNA position 34462, one base deleted (G; older notation c.34462delG).
Protein change: p.Val11488fs; shifts the reading frame from valine 11488.
Molecular consequence: frameshift variant. On other transcripts: intron variant (5).
Genome position (GRCh38, 1-based): chr2:178,675,746, C deleted on the plus strand (G on the coding strand, the reverse complement: TTN is on the minus strand); the first of 2 consecutive C bases (chr2:178,675,746-178,675,747); deleting either gives the same sequence. VCF-style (leftmost placement, unchanged base first): chr2-178675745-AC-A. GRCh37 (hg19) VCF-style: chr2-179540472-AC-A.
Other names: c.13283-33429del (NM_003319.4); c.13859-33429del (NM_133437.4); c.13658-33429del (NM_133432.3); c.30634+175del (NM_133378.4); c.33415+175del (NM_001256850.1); short protein forms V11488fs.
Identifiers: ClinVar variation 4796618 (VCV004796618.2).

ClinVar aggregate classification (germline): Likely pathogenic (1 of 4 stars; one submission).

Conditions:
Myopathy, myofibrillar, 9, with early respiratory failure (MFM9). Also called: Hereditary myopathy with early respiratory failure; EDSTROM MYOPATHY; MYOPATHY, PROXIMAL, WITH EARLY RESPIRATORY MUSCLE INVOLVEMENT; Myopathy, distal, with early respiratory failure, autosomal dominant. Identifiers: Orphanet 178464, Orphanet 34521, MedGen C1863599, MONDO:0011362, OMIM 603689.
Early-onset myopathy with fatal cardiomyopathy (CMYO5). Also called: Salih Myopathy; CONGENITAL MYOPATHY 5 WITH CARDIOMYOPATHY. Identifiers: Orphanet 289377, MedGen C2673677, MONDO:0012714, OMIM 611705. Disease mechanism: loss of function.
Dilated cardiomyopathy 1G (CMD1G). Identifiers: Orphanet 154, MedGen C1858763, MONDO:0011400, OMIM 604145.
Autosomal recessive limb-girdle muscular dystrophy type 2J (LGMDR10). Also called: Limb-girdle muscular dystrophy, type 2J; MUSCULAR DYSTROPHY, LIMB-GIRDLE, AUTOSOMAL RECESSIVE 10. Identifiers: Orphanet 140922, MedGen C1837342, MONDO:0012127, OMIM 608807.
Tibial muscular dystrophy (TMD). Also called: UDD MYOPATHY; Tibial muscular dystrophy, tardive; Udd Distal Myopathy – Tibial Muscular Dystrophy. Identifiers: Orphanet 609, MedGen C1838244, MONDO:0010870, OMIM 600334.
Hypertrophic cardiomyopathy 9. Also called: Familial hypertrophic cardiomyopathy 9. Identifiers: MedGen C1861065, MONDO:0013412, OMIM 613765.

Submission:

Juno Genomics, Hangzhou Juno Genomics, Inc
Classification: Likely pathogenic for Early-onset myopathy with fatal cardiomyopathy; Dilated cardiomyopathy 1G; Hypertrophic cardiomyopathy 9; Autosomal recessive limb-girdle muscular dystrophy type 2J; Myopathy, myofibrillar, 9, with early respiratory failure; Tibial muscular dystrophy. Review status: criteria provided, single submitter. Criteria: ACMG Guidelines, 2015. Collection method: clinical testing. Allele origin: germline.
Comment: Absent from controls (or at extremely low frequency if recessive) in Genome Aggregation Database.;Null variant in a gene where loss of function (LOF) is a known mechanism of disease.